The following is an entry in ClinVar:

ClinVar aggregate classification (germline): Uncertain significance (1 of 4 stars; one submission).

Conditions:
Hereditary cancer-predisposing syndrome. Also called: Neoplastic Syndromes, Hereditary; Tumor predisposition; Hereditary Cancer Syndrome; Hereditary neoplastic syndrome. Identifiers: Orphanet 140162, MedGen C0027672, MeSH D009386, MONDO:0015356.

Submission:

Ambry Genetics
Classification: Uncertain significance for Hereditary cancer-predisposing syndrome. Last evaluated: 2025-05-28. Review status: criteria provided, single submitter. Criteria: Ambry Variant Classification Scheme 2023. Collection method: clinical testing. Allele origin: germline.
Comment: The p.G1091A variant (also known as c.3272G>C), located in coding exon 19 of the PTCH1 gene, results from a G to C substitution at nucleotide position 3272. The glycine at codon 1091 is replaced by alanine, an amino acid with similar properties. This amino acid position is highly conserved in available vertebrate species. In addition, this alteration is predicted to be deleterious by in silico analysis. Since supporting evidence is limited at this time, the clinical significance of this alteration remains unclear.

NM_000264.5(PTCH1):c.3272G>C (p.Gly1091Ala)

Gene: PTCH1 (patched 1; minus strand). Cytogenetic location: 9q22.32.
Variant type: single nucleotide variant.
Coding change: c.3272G>C on transcript NM_000264.5 (MANE Select); coding-DNA position 3272, G replaced by C.
Protein change: p.Gly1091Ala; replaces glycine 1091 with alanine.
Molecular consequence: missense variant. On other transcripts: non-coding transcript variant (1).
Genome position (GRCh38, 1-based): chr9:95,456,310, C>G on the plus strand (G>C on the coding strand, the complement: PTCH1 is on the minus strand). VCF-style: chr9-95456310-C-G. GRCh37 (hg19) VCF-style: chr9-98218592-C-G.
Other names: c.3074G>C, p.Gly1025Ala (NM_001083602.3); c.3269G>C, p.Gly1090Ala (NM_001083603.3); c.2819G>C, p.Gly940Ala (NM_001083604.3, NM_001083605.3, NM_001083606.3 and 1 more transcripts); c.3116G>C, p.Gly1039Ala (NM_001354918.2); short protein forms G1091A, G1039A, G1090A, G940A, G1025A.
Identifiers: ClinVar variation 1729635 (VCV001729635.3), dbSNP rs2136647962, ClinGen allele CA374112022.
Genomic context (GRCh38, chr9:95,456,310, plus strand): 5'-GTTTTTGCTTCAAATGTCTCCCATACCAAAGCAACGTGAACGGTGAACTCCACTCCTATG[C>G]CAACAGAAGCGATCAGGATGACCACGGGCACGGCACTGAGCTTGATTCCGATGAGGCCCA-3'
Protein context (NP_000255.2, residues 1081-1101): VPVVILIASV[Gly1091Ala]IGVEFTVHVA